The following is an entry in ClinVar:

ClinVar aggregate classification (germline): Pathogenic (1 of 4 stars; one submission).

Conditions:
Alagille syndrome due to a JAG1 point mutation. Also called: Alagille Syndrome 1; JAG1-Related Alagille Syndrome; HEPATIC DUCTULAR HYPOPLASIA, SYNDROMATIC. Identifiers: Orphanet 261619, Orphanet 52, MedGen C1956125, MONDO:0016862, OMIM 118450.

Submission:

Labcorp Genetics (formerly Invitae), Labcorp
Classification: Pathogenic for Alagille syndrome due to a JAG1 point mutation. Last evaluated: 2025-04-17. Review status: criteria provided, single submitter. Criteria: Invitae Variant Classification Sherloc (09022015). Collection method: clinical testing. Allele origin: germline.
Comment: This sequence change creates a premature translational stop signal (p.Phe206Leufs*11) in the JAG1 gene. It is expected to result in an absent or disrupted protein product. Loss-of-function variants in JAG1 are known to be pathogenic (PMID: 11180599). This variant is not present in population databases (gnomAD no frequency). This variant has not been reported in the literature in individuals affected with JAG1-related conditions. For these reasons, this variant has been classified as Pathogenic.

Literature cited by the submitters: PubMed 11180599.

NM_000214.3(JAG1):c.618_658del (p.Phe206fs)

Gene: JAG1 (jagged canonical Notch ligand 1; minus strand). Cytogenetic location: 20p12.2.
Variant type: Deletion.
Coding change: c.618_658del on transcript NM_000214.3 (MANE Select); coding-DNA positions 618 to 658, 41 bases deleted.
Protein change: p.Phe206fs; shifts the reading frame from phenylalanine 206.
Molecular consequence: frameshift variant.
Genome position (GRCh38, 1-based): chr20:10,658,504-10,658,544, 41 bases deleted; deleting any 41 consecutive bases within chr20:10,658,504-10,658,548 gives the same sequence; the c. name uses the placement nearest the transcript's 3' end. GRCh37 (hg19): chr20:10,639,156-10,639,196.
Other names: short protein forms F206fs.
Identifiers: ClinVar variation 4717753 (VCV004717753.1).